The following is an entry in ClinVar:

ClinVar aggregate classification (germline): Uncertain significance. Review status: criteria provided, multiple submitters, no conflicts (2 of 4 stars). 2 submissions from 2 submitters: Uncertain significance (2). Last evaluated 2023-11-04.

Conditions:
Dilated cardiomyopathy 1I (CMD1I). Identifiers: Orphanet 154, MedGen C1858154, MONDO:0011482, OMIM 604765.
Desmin-related myofibrillar myopathy (MFM1). Also called: Myofibrillar myopathy 1; MYOFIBRILLAR MYOPATHY WITH ARRHYTHMOGENIC RIGHT VENTRICULAR CARDIOMYOPATHY; DESMIN-RELATED MYOPATHY WITH ARRHYTHMOGENIC RIGHT VENTRICULAR CARDIOMYOPATHY; Desmin related myopathy (former name); Desmin storage myopathy (former name); Desminopathy. Identifiers: Orphanet 363543, Orphanet 98909, MedGen C1832370, MONDO:0011076, OMIM 601419.
Cardiovascular phenotype. Identifiers: MedGen CN230736.

Allele frequency attached by ClinVar (database versions not stated): ExAC 0.00001.
gnomAD v4.1: 2 of 1,613,876 alleles (0.00012%); highest among the groups gnomAD compares: Non-Finnish European, 0.00017%; no homozygotes.

Submissions (2):

Ambry Genetics
Classification: Uncertain significance for Cardiovascular phenotype. Last evaluated: 2023-11-04. Review status: criteria provided, single submitter. Criteria: Ambry Variant Classification Scheme 2023. Collection method: clinical testing. Allele origin: germline.
Comment: The p.A425P variant (also known as c.1273G>C), located in coding exon 7 of the DES gene, results from a G to C substitution at nucleotide position 1273. The alanine at codon 425 is replaced by proline, an amino acid with highly similar properties. This amino acid position is conserved. In addition, the in silico prediction for this alteration is inconclusive. Since supporting evidence is limited at this time, the clinical significance of this alteration remains unclear.

Labcorp Genetics (formerly Invitae), Labcorp
Classification: Uncertain significance for Desmin-related myofibrillar myopathy. Last evaluated: 2023-06-16. Review status: criteria provided, single submitter. Criteria: Invitae Variant Classification Sherloc (09022015). Collection method: clinical testing. Allele origin: germline.
Comment: This sequence change replaces alanine, which is neutral and non-polar, with proline, which is neutral and non-polar, at codon 425 of the DES protein (p.Ala425Pro). This variant is present in population databases (rs753305257, gnomAD 0.0009%). This variant has not been reported in the literature in individuals affected with DES-related conditions. ClinVar contains an entry for this variant (Variation ID: 2502282). Advanced modeling of protein sequence and biophysical properties (such as structural, functional, and spatial information, amino acid conservation, physicochemical variation, residue mobility, and thermodynamic stability) has been performed at Invitae for this missense variant, however the output from this modeling did not meet the statistical confidence thresholds required to predict the impact of this variant on DES protein function. In summary, the available evidence is currently insufficient to determine the role of this variant in disease. Therefore, it has been classified as a Variant of Uncertain Significance.

NM_001927.4(DES):c.1273G>C (p.Ala425Pro)

Gene: DES (desmin; plus strand). Cytogenetic location: 2q35.
Variant type: single nucleotide variant.
Coding change: c.1273G>C on transcript NM_001927.4 (MANE Select); coding-DNA position 1273, G replaced by C.
Protein change: p.Ala425Pro; replaces alanine 425 with proline.
Molecular consequence: missense variant.
Genome position (GRCh38, 1-based): chr2:219,423,805, G>C. VCF-style: chr2-219423805-G-C. GRCh37 (hg19) VCF-style: chr2-220288527-G-C.
Other names: c.1270G>C, p.Ala424Pro (NM_001382708.1); c.841G>C, p.Ala281Pro (NM_001382709.1); c.1204G>C, p.Ala402Pro (NM_001382710.1); c.1252G>C, p.Ala418Pro (NM_001382711.1); c.1273G>C, p.Ala425Pro (NM_001382712.1); c.1003G>C, p.Ala335Pro (NM_001382713.1); short protein forms A281P, A335P, A402P, A418P, A424P, A425P.
Identifiers: ClinVar variation 2502282 (VCV002502282.7), dbSNP rs753305257, ClinGen allele CA2125281.